The following is an entry in ClinVar:

ClinVar aggregate classification (germline): Uncertain significance (1 of 4 stars; one submission).

gnomAD v4.1: 72 of 1,561,700 alleles (0.0046%); highest among the groups gnomAD compares: East Asian, 0.17%; no homozygotes.

Submission:

GeneDx
Classification: Uncertain significance. Last evaluated: 2025-05-28. Review status: criteria provided, single submitter. Criteria: GeneDx Variant Classification Process June 2021. Collection method: clinical testing. Allele origin: germline. Affected: yes.
Comment: Identified in a patient with hearing loss in published literature (PMID: 23967202); In silico analysis supports that this missense variant has a deleterious effect on protein structure/function; In silico analysis suggests this variant may impact gene splicing. In the absence of RNA/functional studies, the actual effect of this sequence change is unknown.; This variant is associated with the following publications: (PMID: 23967202)

NM_001371623.1(TCOF1):c.1045A>G (p.Ser349Gly)

Gene: TCOF1 (treacle ribosome biogenesis factor 1; plus strand). Cytogenetic location: 5q32.
Variant type: single nucleotide variant.
Coding change: c.1045A>G on transcript NM_001371623.1 (MANE Select); coding-DNA position 1045, A replaced by G.
Protein change: p.Ser349Gly; replaces serine 349 with glycine.
Molecular consequence: missense variant.
Genome position (GRCh38, 1-based): chr5:150,374,348, A>G. VCF-style: chr5-150374348-A-G. GRCh37 (hg19) VCF-style: chr5-149753911-A-G.
Other names: c.814A>G, p.Ser272Gly (NM_000356.4, NM_001135245.2, NM_001437406.1); c.1045A>G, p.Ser349Gly (NM_001008657.3, NM_001135243.2, NM_001135244.2 and 1 more transcripts); short protein forms S272G, S349G.
Identifiers: ClinVar variation 4532301 (VCV004532301.1).
Genomic context (GRCh38, chr5:150,374,348, plus strand): 5'-CAGACCAAGGCAGGGAAGCCAGAGGAGGACTCAGAGAGCAGCAGCGAGGAGTCATCTGAC[A>G]GTGAGGAGGAGACGCCAGCTGCCAAGGCCCTGCTTCAGGTGAGGCCTGAGGAGGGAGACT-3'
Protein context (NP_001358552.1, residues 339-359): SESSSEESSD[Ser349Gly]EEETPAAKAL